The following is an entry in ClinVar:

NM_005618.4(DLL1):c.1775del (p.Asn592fs)

Gene: DLL1 (delta like canonical Notch ligand 1; minus strand). Cytogenetic location: 6q27.
Variant type: Deletion.
Coding change: c.1775del on transcript NM_005618.4 (MANE Select); coding-DNA position 1775, one base deleted (A; older notation c.1775delA).
Protein change: p.Asn592fs; shifts the reading frame from asparagine 592.
Molecular consequence: frameshift variant.
Genome position (GRCh38, 1-based): chr6:170,283,504, T deleted on the plus strand (A on the coding strand, the reverse complement: DLL1 is on the minus strand); the first of 2 consecutive T bases (chr6:170,283,504-170,283,505); deleting either gives the same sequence. VCF-style (leftmost placement, unchanged base first): chr6-170283503-GT-G. GRCh37 (hg19) VCF-style: chr6-170592591-GT-G.
Other names: short protein forms N592fs.
Identifiers: ClinVar variation 2579015 (VCV002579015.25), dbSNP rs2483346143, ClinGen allele CA2580617880.

ClinVar aggregate classification (germline): Pathogenic (1 of 4 stars; one submission).

Submission:

CeGaT Center for Human Genetics Tuebingen
Classification: Pathogenic. Last evaluated: 2023-07-01. Review status: criteria provided, single submitter. Criteria: CeGaT Center For Human Genetics Tuebingen Variant Classification Criteria Version 2. Collection method: clinical testing. Allele origin: germline. Affected: yes. Observed: 1 variant allele.
Comment: DLL1: PVS1, PM2